The following is an entry in ClinVar:

NM_000019.4(ACAT1):c.378_379del (p.Ala127fs)

Gene: ACAT1 (acetyl-CoA acetyltransferase 1; plus strand). Cytogenetic location: 11q22.3.
Variant type: Microsatellite.
Coding change: c.378_379del on transcript NM_000019.4 (MANE Select); coding-DNA positions 378 to 379, 2 bases deleted (TG; older notation c.378_379delTG).
Protein change: p.Ala127fs; shifts the reading frame from alanine 127.
Molecular consequence: frameshift variant. On other transcripts: non-coding transcript variant (1), intron variant (1).
Genome position (GRCh38, 1-based): chr11:108,135,185-108,135,186, TG deleted; deleting any 2 consecutive bases within chr11:108,135,183-108,135,186 gives the same sequence; the c. name uses the placement nearest the transcript's 3' end. VCF-style (leftmost placement, unchanged base first): chr11-108135182-TTG-T. GRCh37 (hg19) VCF-style: chr11-108005909-TTG-T.
Other names: c.378_379del, p.Ala127fs (NM_001386677.1); c.81_82del, p.Ala28fs (NM_001386679.1); c.108_109del, p.Ala37fs (NM_001386681.1, NM_001386682.1, NM_001386685.1 and 6 more transcripts); c.120+3231_120+3232del (NM_001386678.1); short protein forms A37fs, A28fs, A127fs.
Identifiers: ClinVar variation 1397530 (VCV001397530.7), dbSNP rs2135341631, ClinGen allele CA2580616417.

ClinVar aggregate classification (germline): Pathogenic/Likely pathogenic. Review status: criteria provided, multiple submitters, no conflicts (2 of 4 stars). 2 submissions from 2 submitters: Pathogenic (1); Likely pathogenic (1). Last evaluated 2024-01-08.

Conditions:
Deficiency of acetyl-CoA acetyltransferase. Also called: Beta-ketothiolase deficiency; MITOCHONDRIAL ACETOACETYL-CoA THIOLASE DEFICIENCY; 3-KETOTHIOLASE DEFICIENCY; 3-OXOTHIOLASE DEFICIENCY. Identifiers: Orphanet 134, MedGen C1536500, MONDO:0008760, OMIM 203750. Disease mechanism: loss of function.

Submissions (2):

Baylor Genetics
Classification: Likely pathogenic for Deficiency of acetyl-CoA acetyltransferase. Last evaluated: 2024-01-08. Review status: criteria provided, single submitter. Criteria: ACMG Guidelines, 2015. Collection method: clinical testing. Allele origin: unknown.

Labcorp Genetics (formerly Invitae), Labcorp
Classification: Pathogenic for Deficiency of acetyl-CoA acetyltransferase. Last evaluated: 2020-12-02. Review status: criteria provided, single submitter. Criteria: Invitae Variant Classification Sherloc (09022015). Collection method: clinical testing. Allele origin: germline.
Comment: For these reasons, this variant has been classified as Pathogenic. This variant has not been reported in the literature in individuals with ACAT1-related conditions. This variant is not present in population databases (ExAC no frequency). This sequence change creates a premature translational stop signal (p.Ala127Phefs*49) in the ACAT1 gene. It is expected to result in an absent or disrupted protein product. Loss-of-function variants in ACAT1 are known to be pathogenic (PMID: 7749408).

Literature cited by the submitters: PubMed 7749408 (cited by Labcorp Genetics (formerly Invitae), Labcorp).